The following is an entry in ClinVar:

ClinVar aggregate classification (germline): Likely benign (1 of 4 stars; one submission).

Submission:

GeneDx
Classification: Likely benign. Last evaluated: 2019-03-25. Review status: criteria provided, single submitter. Criteria: GeneDx Variant Classification Process June 2021. Collection method: clinical testing. Allele origin: germline. Affected: yes.
Comment: See Variant Classification Assertion Criteria.

NM_181426.2(CCDC39):c.517-96_517-91del

Gene: CCDC39 (coiled-coil domain 39 molecular ruler complex subunit; minus strand). Cytogenetic location: 3q26.33.
Variant type: Microsatellite.
Coding change: c.517-96_517-91del on transcript NM_181426.2 (MANE Select); 96 bases into the intron before coding-DNA position 517 through 91 bases into the intron before coding-DNA position 517, 6 bases deleted (AATGTA; older notation c.517-96_517-91delAATGTA).
Molecular consequence: intron variant.
Genome position (GRCh38, 1-based): chr3:180,659,860-180,659,865, TACATT deleted on the plus strand (AATGTA on the coding strand, the reverse complement: CCDC39 is on the minus strand); deleting any 6 consecutive bases within chr3:180,659,860-180,659,873 gives the same sequence; the c. name uses the placement nearest the transcript's 3' end. VCF-style (leftmost placement, unchanged base first): chr3-180659859-ATACATT-A. GRCh37 (hg19) VCF-style: chr3-180377647-ATACATT-A.
Identifiers: ClinVar variation 1691150 (VCV001691150.2), dbSNP rs200931690, ClinGen allele CA88636288.